The following is an entry in ClinVar:

ClinVar aggregate classification (germline): Likely benign. Review status: criteria provided, multiple submitters, no conflicts (2 of 4 stars). 3 submissions from 3 submitters: Likely benign (2). 1 of the submissions does not count toward it. Last evaluated 2024-11-25.

Conditions:
SIK3-related disorder. Also called: SIK3-related condition.

Allele frequency attached by ClinVar (database versions not stated): 1000 Genomes Project 0.00200; 1000 Genomes Project 30x 0.00234; ESP Exome Variant Server 0.00292; ExAC 0.00363; TOPMed 0.00413; gnomAD 0.00416; gnomAD exomes 0.00446.
gnomAD v4.1: 7,075 of 1,607,204 alleles (0.44%); highest among the groups gnomAD compares: Non-Finnish European, 0.53%; 13 homozygotes.

Submissions (3):

Blueprint Genetics
Classification: Likely benign. Last evaluated: 2024-11-25. Review status: criteria provided, single submitter. Criteria: ACMG Guidelines, 2015. Collection method: clinical testing. Allele origin: germline.

CeGaT Center for Human Genetics Tuebingen
Classification: Likely benign. Last evaluated: 2024-01-01. Review status: criteria provided, single submitter. Criteria: CeGaT Center For Human Genetics Tuebingen Variant Classification Criteria Version 2. Collection method: clinical testing. Allele origin: germline. Affected: yes. Observed: 1 variant allele.
Comment: SIK3: BS2

PreventionGenetics, part of Exact Sciences
Classification: Likely benign for SIK3-related condition. Last evaluated: 2019-04-30. Review status: no assertion criteria provided. Collection method: clinical testing. Allele origin: germline. Not counted in ClinVar's aggregate classification.
Comment: This variant is classified as likely benign based on ACMG/AMP sequence variant interpretation guidelines (Richards et al. 2015 PMID: 25741868, with internal and published modifications).

NM_001366686.3(SIK3):c.3020A>G (p.Tyr1007Cys)

Gene: SIK3 (SIK family kinase 3; minus strand). Cytogenetic location: 11q23.3.
Variant type: single nucleotide variant.
Coding change: c.3020A>G on transcript NM_001366686.3 (MANE Select); coding-DNA position 3020, A replaced by G.
Protein change: p.Tyr1007Cys; replaces tyrosine 1007 with cysteine.
Molecular consequence: missense variant.
Genome position (GRCh38, 1-based): chr11:116,858,445, T>C on the plus strand (A>G on the coding strand, the complement: SIK3 is on the minus strand). VCF-style: chr11-116858445-T-C. GRCh37 (hg19) VCF-style: chr11-116729161-T-C.
Other names: c.2876A>G (NM_025164.4); c.2219A>G, p.Tyr740Cys (NM_001281748.3); c.2696A>G, p.Tyr899Cys (NM_001281749.3); c.2876A>G, p.Tyr959Cys (NM_025164.6); short protein forms Y1007C, Y740C, Y899C, Y959C.
Identifiers: ClinVar variation 3024952 (VCV003024952.24), dbSNP rs55730930, ClinGen allele CA6290262.
Genomic context (GRCh38, chr11:116,858,445, plus strand): 5'-AGCGAATGCCGGGGAGAAAGCAGTCCTTGAAGGATGTGGGGTACCTGCTGGTGTCTTGTA[T>C]AGTCTGGCGGCGTGGGAGACAGCAGGGCCTGCTGTAGTGCCGACGTGGTATAGTGTGGCG-3'
Protein context (NP_001353615.1, residues 997-1017): QALLSPTPPD[Tyr1007Cys]TRHQQVPHIL